The following is an entry in ClinVar:

ClinVar aggregate classification (germline): Uncertain significance (1 of 4 stars; one submission).

Allele frequency attached by ClinVar (database versions not stated): gnomAD 0.00001; TOPMed 0.00001.
gnomAD v4.1: 2 of 1,613,880 alleles (0.00012%); highest among the groups gnomAD compares: African/African-American, 0.0027%; no homozygotes.

Submission:

Labcorp Genetics (formerly Invitae), Labcorp
Classification: Uncertain significance. Last evaluated: 2025-09-22. Review status: criteria provided, single submitter. Criteria: Invitae Variant Classification Sherloc (09022015). Collection method: clinical testing. Allele origin: germline.
Comment: This sequence change falls in intron 15 of the ITPR1 gene. It does not directly change the encoded amino acid sequence of the ITPR1 protein. It affects a nucleotide within the consensus splice site. This variant is not present in population databases (gnomAD no frequency). This variant has not been reported in the literature in individuals affected with ITPR1-related conditions. ClinVar contains an entry for this variant (Variation ID: 1359473). Variants that disrupt the consensus splice site are a relatively common cause of aberrant splicing (PMID: 17576681, 9536098). Algorithms developed to predict the effect of sequence changes on RNA splicing suggest that this variant is not likely to affect RNA splicing. In summary, the available evidence is currently insufficient to determine the role of this variant in disease. Therefore, it has been classified as a Variant of Uncertain Significance.

Literature cited by the submitters: PubMed 17576681; PubMed 9536098.

NM_001378452.1(ITPR1):c.1555-3C>A

Gene: ITPR1 (inositol 1,4,5-trisphosphate receptor type 1; plus strand). Cytogenetic location: 3p26.1.
Variant type: single nucleotide variant.
Coding change: c.1555-3C>A on transcript NM_001378452.1 (MANE Select); 3 bases into the intron before coding-DNA position 1555, C replaced by A.
Molecular consequence: intron variant.
Genome position (GRCh38, 1-based): chr3:4,665,135, C>A. VCF-style: chr3-4665135-C-A. GRCh37 (hg19) VCF-style: chr3-4706819-C-A.
Other names: c.1555-3C>A (NM_001099952.4); c.1510-3C>A (NM_001168272.2, NM_002222.7).
Identifiers: ClinVar variation 1359473 (VCV001359473.6), dbSNP rs2093919137, ClinGen allele CA1044565242.
Genomic context (GRCh38, chr3:4,665,135, plus strand): 5'-AACAGAGGGTTAGCTTTGAAGCCCTAAGTGATTGCCATTTTTGCTTTTCATTTTCACAAA[C>A]AGATCTTCAAGTTGTTACAAGCCCCATTCACAGACTGCGGTGATGGCCCAATGCTTCGGC-3'